The following is an entry in ClinVar:

NM_054012.4(ASS1):c.647C>A (p.Ala216Asp)

Gene: ASS1 (argininosuccinate synthase 1; plus strand). Cytogenetic location: 9q34.11.
Variant type: single nucleotide variant.
Coding change: c.647C>A on transcript NM_054012.4 (MANE Select); coding-DNA position 647, C replaced by A.
Protein change: p.Ala216Asp; replaces alanine 216 with aspartic acid.
Molecular consequence: missense variant.
Genome position (GRCh38, 1-based): chr9:130,476,920, C>A. VCF-style: chr9-130476920-C-A. GRCh37 (hg19) VCF-style: chr9-133352307-C-A.
Other names: c.647C>A, p.Ala216Asp (NM_000050.4); short protein forms A216D.
Identifiers: ClinVar variation 813410 (VCV000813410.12), dbSNP rs1043964127, ClinGen allele CA200576291.
Genomic context (GRCh38, chr9:130,476,920, plus strand): 5'-TCTTTTTTCAGAACCAAGCGCCTCCAGGTCTCTACACGAAGACCCAGGACCCAGCCAAAG[C>A]CCCCAACACCCCTGACATTCTCGAGATCGAGTTCAAAAAAGGTATGTGCCCACCTGTTGG-3'
Protein context (NP_446464.1, residues 206-226): LYTKTQDPAK[Ala216Asp]PNTPDILEIE

ClinVar aggregate classification (germline): Uncertain significance. Review status: criteria provided, multiple submitters, no conflicts (2 of 4 stars). 4 submissions from 4 submitters: Uncertain significance (3). 1 of the submissions does not count toward it. Last evaluated 2026-03-30.

Conditions:
Citrullinemia. Identifiers: Orphanet 187, MedGen C0175683, MONDO:0015991.
Citrullinemia type I (CTNL1). Also called: argininosuccinate synthetase deficiency; ASS DEFICIENCY. Identifiers: Orphanet 247525, MedGen C4721769, MONDO:0008988, OMIM 215700.

Allele frequency attached by ClinVar (database versions not stated): gnomAD exomes 0.00001; TOPMed 0.00001.
gnomAD v4.1: 11 of 1,614,110 alleles (0.00068%); highest among the groups gnomAD compares: African/African-American, 0.0013%; no homozygotes.

Submissions (4):

GeneDx
Classification: Uncertain significance. Last evaluated: 2026-03-30. Review status: criteria provided, single submitter. Criteria: GeneDx Variant Classification Process June 2021. Collection method: clinical testing. Allele origin: germline.
Comment: Reported in an individual with citrullinemia type 1 with high residual enzyme activity (PMID: 31469252); Not observed at significant frequency in large population cohorts (gnomAD); In silico analysis supports that this missense variant has a deleterious effect on protein structure/function; This variant is associated with the following publications: (PMID: 31469252)

Labcorp Genetics (formerly Invitae), Labcorp
Classification: Uncertain significance for Citrullinemia. Last evaluated: 2022-02-09. Review status: criteria provided, single submitter. Criteria: Invitae Variant Classification Sherloc (09022015). Collection method: clinical testing. Allele origin: germline.
Comment: This sequence change replaces alanine, which is neutral and non-polar, with aspartic acid, which is acidic and polar, at codon 216 of the ASS1 protein (p.Ala216Asp). This variant is present in population databases (no rsID available, gnomAD 0.003%). This variant has not been reported in the literature in individuals affected with ASS1-related conditions. ClinVar contains an entry for this variant (Variation ID: 813410). Algorithms developed to predict the effect of missense changes on protein structure and function are either unavailable or do not agree on the potential impact of this missense change (SIFT: "Deleterious"; PolyPhen-2: "Probably Damaging"; Align-GVGD: "Class C0"). Experimental studies have shown that this missense change affects ASS1 function (PMID: 31469252). In summary, the available evidence is currently insufficient to determine the role of this variant in disease. Therefore, it has been classified as a Variant of Uncertain Significance.

Women's Health and Genetics/Laboratory Corporation of America, LabCorp
Classification: Uncertain significance. Last evaluated: 2021-08-06. Review status: criteria provided, single submitter. Criteria: LabCorp Variant Classification Summary - May 2015. Collection method: clinical testing. Allele origin: germline.
Comment: Variant summary: ASS1 c.647C>A (p.Ala216Asp) results in a non-conservative amino acid change in the encoded protein sequence. Four of five in-silico tools predict a damaging effect of the variant on protein function. The variant allele was found at a frequency of 1.2e-05 in 251440 control chromosomes (gnomAD). The available data on variant occurrences in the general population are insufficient to allow any conclusion about variant significance. c.647C>A has been reported in the literature in a compound heterozygous individual affected with Citrullinemia Type I, who carried a likely null-allele (c.1030C>T (p.R344*)) in trans (Zielonka_2019), however the severity of the disease was not specified for this individual. Authors of this report also performed in vitro functional studies, and demonstrated about 50% residual enzymatic activity, using a biallelic expression system, where these variants were expressed together. Since the presence of the null allele in itself can explain the ~50% residual activity, this result does not allow convincing conclusions about the variant effect. These data therefore do not provide unequivocal conclusions about association of the variant with Citrullinemia Type I. One clinical diagnostic laboratory has submitted clinical-significance assessments for this variant to ClinVar after 2014 without evidence for independent evaluation, and classified the variant as likely pathogenic. Based on the evidence outlined above, the variant was classified as uncertain significance.

Natera, Inc.
Classification: Uncertain significance for Citrullinemia type I. Last evaluated: 2020-03-23. Review status: no assertion criteria provided. Collection method: clinical testing. Allele origin: germline. Not counted in ClinVar's aggregate classification.

Literature cited by the submitters: PubMed 31469252 (cited by Labcorp Genetics (formerly Invitae), Labcorp and Women's Health and Genetics/Laboratory Corporation of America, LabCorp).